The following is an entry in ClinVar:

NM_007294.4(BRCA1):c.1311T>G (p.His437Gln)

Gene: BRCA1 (BRCA1 DNA repair associated; minus strand). Cytogenetic location: 17q21.31.
Variant type: single nucleotide variant.
Coding change: c.1311T>G on transcript NM_007294.4 (MANE Select); coding-DNA position 1311, T replaced by G.
Protein change: p.His437Gln; replaces histidine 437 with glutamine.
Molecular consequence: missense variant. On other transcripts: intron variant (137).
Genome position (GRCh38, 1-based): chr17:43,094,220, A>C on the plus strand (T>G on the coding strand, the complement: BRCA1 is on the minus strand). VCF-style: chr17-43094220-A-C. GRCh37 (hg19) VCF-style: chr17-41246237-A-C.
Other names: c.1167T>G, p.His389Gln (NM_001407841.1, NM_001407842.1, NM_001407843.1 and 20 more transcripts); c.1170T>G, p.His390Gln (NM_001407850.1, NM_001407692.1, NM_001407694.1 and 29 more transcripts); c.1098T>G, p.His366Gln (NM_001407571.1, NM_001407853.1, NM_001407894.1 and 9 more transcripts); c.1311T>G, p.His437Gln (NM_001407581.1, NM_001407582.1, NM_001407583.1 and 30 more transcripts); c.1308T>G, p.His436Gln (NM_001407587.1, NM_001407590.1, NM_001407591.1 and 22 more transcripts); c.1302T>G, p.His434Gln (NM_001407646.1, NM_001407647.1); c.1188T>G, p.His396Gln (NM_001407648.1, NM_001407664.1, NM_001407665.1 and 19 more transcripts); c.1185T>G, p.His395Gln (NM_001407649.1, NM_001407670.1, NM_001407671.1 and 11 more transcripts); and 40 more; short protein forms H349Q, H370Q, H390Q, H396Q, H348Q, H367Q, H434Q, H141Q.
Identifiers: ClinVar variation 2450665 (VCV002450665.2), dbSNP rs2154459567, ClinGen allele CA10599430.

ClinVar aggregate classification (germline): Uncertain significance (1 of 4 stars; one submission).

Conditions:
Hereditary cancer-predisposing syndrome. Also called: Neoplastic Syndromes, Hereditary; Tumor predisposition; Hereditary neoplastic syndrome; Hereditary Cancer Syndrome. Identifiers: Orphanet 140162, MedGen C0027672, MeSH D009386, MONDO:0015356.

Submission:

Ambry Genetics
Classification: Uncertain significance for Hereditary cancer-predisposing syndrome. Last evaluated: 2022-12-05. Review status: criteria provided, single submitter. Criteria: Ambry Variant Classification Scheme 2023. Collection method: clinical testing. Allele origin: germline.
Comment: The p.H437Q variant (also known as c.1311T>G), located in coding exon 9 of the BRCA1 gene, results from a T to G substitution at nucleotide position 1311. The histidine at codon 437 is replaced by glutamine, an amino acid with highly similar properties. This amino acid position is not well conserved in available vertebrate species. In addition, the in silico prediction for this alteration is inconclusive. Since supporting evidence is limited at this time, the clinical significance of this alteration remains unclear.